The following is an entry in ClinVar:

NM_001267550.2(TTN):c.85715C>G (p.Ser28572Ter)

Genes: TTN (titin; minus strand), TTN-AS1 (TTN antisense RNA 1; plus strand). Cytogenetic location: 2q31.2.
Variant type: single nucleotide variant.
Coding change: c.85715C>G on transcript NM_001267550.2 (MANE Select); coding-DNA position 85715, C replaced by G.
Protein change: p.Ser28572Ter; replaces serine 28572 with a stop codon.
Molecular consequence: nonsense.
Genome position (GRCh38, 1-based): chr2:178,560,417, G>C on the plus strand (C>G on the coding strand, the complement: TTN is on the minus strand). VCF-style: chr2-178560417-G-C. GRCh37 (hg19) VCF-style: chr2-179425144-G-C.
Other names: c.80792C>G, p.Ser26931Ter (NM_001256850.1); c.58520C>G, p.Ser19507Ter (NM_003319.4); c.78011C>G, p.Ser26004Ter (NM_133378.4); c.58895C>G, p.Ser19632Ter (NM_133432.3); c.59096C>G, p.Ser19699Ter (NM_133437.4); short protein forms S19507*, S19632*, S19699*, S26004*, S26931*, S28572*.
Identifiers: ClinVar variation 5037784 (VCV005037784.1).

ClinVar aggregate classification (germline): Likely pathogenic (1 of 4 stars; one submission).

Conditions:
Cardiovascular phenotype. Identifiers: MedGen CN230736.

Submission:

Molecular Diagnostic Laboratory for Inherited Cardiovascular Disease, Montreal Heart Institute
Classification: Likely pathogenic for Cardiovascular phenotype. Last evaluated: 2026-06-23. Review status: criteria provided, single submitter. Criteria: ACMG Guidelines, 2015. Collection method: clinical testing. Allele origin: germline. Affected: yes.
Comment: PVS1, PM2